The following is an entry in ClinVar:

NM_006231.4(POLE):c.2117C>A (p.Ala706Asp)

Gene: POLE (DNA polymerase epsilon, catalytic subunit; minus strand). Cytogenetic location: 12q24.33.
Variant type: single nucleotide variant.
Coding change: c.2117C>A on transcript NM_006231.4 (MANE Select); coding-DNA position 2117, C replaced by A.
Protein change: p.Ala706Asp; replaces alanine 706 with aspartic acid.
Molecular consequence: missense variant.
Genome position (GRCh38, 1-based): chr12:132,668,412, G>T on the plus strand (C>A on the coding strand, the complement: POLE is on the minus strand). VCF-style: chr12-132668412-G-T. GRCh37 (hg19) VCF-style: chr12-133244998-G-T.
Other names: short protein forms A706D.
Identifiers: ClinVar variation 970347 (VCV000970347.9), dbSNP rs2042844695, ClinGen allele CA387353867.

ClinVar aggregate classification (germline): Uncertain significance (1 of 4 stars; one submission).

Submission:

Labcorp Genetics (formerly Invitae), Labcorp
Classification: Uncertain significance. Last evaluated: 2019-11-04. Review status: criteria provided, single submitter. Criteria: Invitae Variant Classification Sherloc (09022015). Collection method: clinical testing. Allele origin: germline.
Comment: In summary, the available evidence is currently insufficient to determine the role of this variant in disease. Therefore, it has been classified as a Variant of Uncertain Significance. Algorithms developed to predict the effect of missense changes on protein structure and function are either unavailable or do not agree on the potential impact of this missense change (SIFT: "Tolerated"; PolyPhen-2: "Probably Damaging"; Align-GVGD: "Class C0"). This variant has not been reported in the literature in individuals with POLE-related conditions. This variant is not present in population databases (ExAC no frequency). This sequence change replaces alanine with aspartic acid at codon 706 of the POLE protein (p.Ala706Asp). The alanine residue is highly conserved and there is a moderate physicochemical difference between alanine and aspartic acid.